The following is an entry in ClinVar:

NM_175875.5(SIX5):c.1494A>G (p.Ala498=)

Gene: SIX5 (SIX homeobox 5; minus strand). Cytogenetic location: 19q13.32.
Variant type: single nucleotide variant.
Coding change: c.1494A>G on transcript NM_175875.5 (MANE Select); coding-DNA position 1494, A replaced by G.
Protein change: p.Ala498=; no amino-acid change (alanine 498 retained).
Molecular consequence: synonymous variant.
Genome position (GRCh38, 1-based): chr19:45,766,465, T>C on the plus strand (A>G on the coding strand, the complement: SIX5 is on the minus strand). VCF-style: chr19-45766465-T-C. GRCh37 (hg19) VCF-style: chr19-46269723-T-C.
Other names: c.1494A>G (NM_175875.4).
Identifiers: ClinVar variation 2892543 (VCV002892543.4), dbSNP rs755015539, ClinGen allele CA9520617.

ClinVar aggregate classification (germline): Likely benign. Review status: criteria provided, multiple submitters, no conflicts (2 of 4 stars). 2 submissions from 2 submitters: Likely benign (2). Last evaluated 2025-03-19.

Conditions:
SIX5-related disorder. Also called: SIX5-related condition.

Allele frequency attached by ClinVar (database versions not stated): gnomAD exomes 0.00001; TOPMed 0.00002; gnomAD 0.00003.
gnomAD v4.1: 22 of 1,531,258 alleles (0.0014%); highest among the groups gnomAD compares: Admixed American, 0.012%; no homozygotes.

Submissions (2):

PreventionGenetics, part of Exact Sciences
Classification: Likely benign for SIX5-related condition. Last evaluated: 2025-03-19. Review status: criteria provided, single submitter. Criteria: ACMG Guidelines, 2015. Collection method: clinical testing. Allele origin: germline.
Comment: This variant is classified as likely benign based on ACMG/AMP sequence variant interpretation guidelines (Richards et al. 2015 PMID: 25741868, with internal and published modifications).

Labcorp Genetics (formerly Invitae), Labcorp
Classification: Likely benign. Last evaluated: 2024-06-22. Review status: criteria provided, single submitter. Criteria: Invitae Variant Classification Sherloc (09022015). Collection method: clinical testing. Allele origin: germline.